The following is an entry in ClinVar:

ClinVar aggregate classification (germline): Uncertain significance. Review status: criteria provided, multiple submitters, no conflicts (2 of 4 stars). 2 submissions from 2 submitters: Uncertain significance (2). Last evaluated 2025-09-22.

Allele frequency attached by ClinVar (database versions not stated): gnomAD exomes below 0.00001; TOPMed below 0.00001; ExAC 0.00001; gnomAD 0.00001.
gnomAD v4.1: 3 of 1,614,074 alleles (0.00019%); highest among the groups gnomAD compares: African/African-American, 0.0013%; no homozygotes.

Submissions (2):

GeneDx
Classification: Uncertain significance. Last evaluated: 2025-09-22. Review status: criteria provided, single submitter. Criteria: GeneDx Variant Classification Process June 2021. Collection method: clinical testing. Allele origin: germline. Affected: yes.
Comment: Not observed at significant frequency in large population cohorts (gnomAD); In silico analysis indicates that this missense variant does not alter protein structure/function; Has not been previously published as pathogenic or benign to our knowledge

Labcorp Genetics (formerly Invitae), Labcorp
Classification: Uncertain significance. Last evaluated: 2022-12-08. Review status: criteria provided, single submitter. Criteria: Invitae Variant Classification Sherloc (09022015). Collection method: clinical testing. Allele origin: germline.
Comment: This variant has not been reported in the literature in individuals affected with SLC16A1-related conditions. In summary, the available evidence is currently insufficient to determine the role of this variant in disease. Therefore, it has been classified as a Variant of Uncertain Significance. Algorithms developed to predict the effect of missense changes on protein structure and function output the following: SIFT: "Deleterious"; PolyPhen-2: "Benign"; Align-GVGD: "Class C0". The glycine amino acid residue is found in multiple mammalian species, which suggests that this missense change does not adversely affect protein function. This variant is present in population databases (rs749690222, gnomAD 0.0009%). This sequence change replaces valine, which is neutral and non-polar, with glycine, which is neutral and non-polar, at codon 428 of the SLC16A1 protein (p.Val428Gly).

NM_003051.4(SLC16A1):c.1283T>G (p.Val428Gly)

Gene: SLC16A1 (solute carrier family 16 member 1; minus strand). Cytogenetic location: 1p13.2.
Variant type: single nucleotide variant.
Coding change: c.1283T>G on transcript NM_003051.4 (MANE Select); coding-DNA position 1283, T replaced by G.
Protein change: p.Val428Gly; replaces valine 428 with glycine.
Molecular consequence: missense variant.
Genome position (GRCh38, 1-based): chr1:112,914,111, A>C on the plus strand (T>G on the coding strand, the complement: SLC16A1 is on the minus strand). VCF-style: chr1-112914111-A-C. GRCh37 (hg19) VCF-style: chr1-113456733-A-C.
Other names: c.1283T>G, p.Val428Gly (NM_001166496.2); c.1283T>G (NM_003051.3); short protein forms V428G.
Identifiers: ClinVar variation 2188819 (VCV002188819.6), dbSNP rs749690222, ClinGen allele CA1011270.